The following is an entry in ClinVar:

NM_080680.3(COL11A2):c.3313-11_3313-10delinsTA

Gene: COL11A2 (collagen type XI alpha 2 chain; minus strand). Cytogenetic location: 6p21.32.
Variant type: Indel.
Coding change: c.3313-11_3313-10delinsTA on transcript NM_080680.3 (MANE Select); 11 bases into the intron before coding-DNA position 3313 through 10 bases into the intron before coding-DNA position 3313, CT replaced by TA.
Molecular consequence: intron variant.
Genome position (GRCh38, 1-based): chr6:33,171,177-33,171,178, AG replaced by TA on the plus strand (CT replaced by TA on the coding strand, the reverse complement: COL11A2 is on the minus strand). VCF-style: chr6-33171177-AG-TA. GRCh37 (hg19) VCF-style: chr6-33138954-AG-TA.
Other names: c.2287-11_2287-10delinsTA (NM_001424111.1, NM_001424110.1); c.2992-11_2992-10delinsTA (NM_080679.3); c.3055-11_3055-10delinsTA (NM_080681.3); c.3133-11_3133-10delinsTA (NM_001424108.1); c.2467-11_2467-10delinsTA (NM_001424109.1); c.1267-11_1267-10delinsTA (NM_001424112.1).
Identifiers: ClinVar variation 2911212 (VCV002911212.1), dbSNP rs2534812081, ClinGen allele CA2739272967.

ClinVar aggregate classification (germline): Uncertain significance (1 of 4 stars; one submission).

Submission:

Labcorp Genetics (formerly Invitae), Labcorp
Classification: Uncertain significance. Last evaluated: 2023-02-05. Review status: criteria provided, single submitter. Criteria: Invitae Variant Classification Sherloc (09022015). Collection method: clinical testing. Allele origin: germline.
Comment: This sequence change falls in intron 44 of the COL11A2 gene. It does not directly change the encoded amino acid sequence of the COL11A2 protein. Information on the frequency of this variant in the gnomAD database is not available, as this variant may be reported differently in the database. This variant has not been reported in the literature in individuals affected with COL11A2-related conditions. Experimental studies and prediction algorithms are not available or were not evaluated, and the effect of this variant on mRNA splicing is currently unknown. In summary, the available evidence is currently insufficient to determine the role of this variant in disease. Therefore, it has been classified as a Variant of Uncertain Significance.